The following is an entry in ClinVar:

ClinVar aggregate classification (germline): Uncertain significance (1 of 4 stars; one submission).

Conditions:
Left ventricular noncompaction 1 (LVNC1). Also called: LEFT VENTRICULAR NONCOMPACTION 1 WITH OR WITHOUT CONGENITAL HEART DEFECTS. Identifiers: Orphanet 54260, MedGen C1858725, MONDO:0011403, OMIM 604169.

Allele frequency attached by ClinVar (database versions not stated): ExAC 0.00001; gnomAD 0.00001; gnomAD exomes below 0.00001.
gnomAD v4.1: 3 of 1,613,884 alleles (0.00019%); highest among the groups gnomAD compares: Non-Finnish European, 0.00017%; no homozygotes.

Submission:

Labcorp Genetics (formerly Invitae), Labcorp
Classification: Uncertain significance for Left ventricular noncompaction 1. Last evaluated: 2021-10-29. Review status: criteria provided, single submitter. Criteria: Invitae Variant Classification Sherloc (09022015). Collection method: clinical testing. Allele origin: germline.
Comment: This variant has not been reported in the literature in individuals affected with DTNA-related conditions. This variant is present in population databases (rs775527586, gnomAD 0.0009%). This sequence change replaces glutamine, which is neutral and polar, with glutamic acid, which is acidic and polar, at codon 455 of the DTNA protein (p.Gln455Glu). Algorithms developed to predict the effect of missense changes on protein structure and function (SIFT, PolyPhen-2, Align-GVGD) all suggest that this variant is likely to be tolerated. In summary, the available evidence is currently insufficient to determine the role of this variant in disease. Therefore, it has been classified as a Variant of Uncertain Significance.

NM_001386795.1(DTNA):c.1444C>G (p.Gln482Glu)

Gene: DTNA (dystrobrevin alpha; plus strand). Cytogenetic location: 18q12.1.
Variant type: single nucleotide variant.
Coding change: c.1444C>G on transcript NM_001386795.1 (MANE Select); coding-DNA position 1444, C replaced by G.
Protein change: p.Gln482Glu; replaces glutamine 482 with glutamic acid.
Molecular consequence: missense variant.
Genome position (GRCh38, 1-based): chr18:34,851,840, C>G. VCF-style: chr18-34851840-C-G. GRCh37 (hg19) VCF-style: chr18-32431804-C-G.
Other names: c.1183C>G, p.Gln395Glu (NM_001198938.2, NM_001198939.2, NM_001198940.2 and 9 more transcripts); c.490C>G, p.Gln164Glu (NM_001198942.1); c.433C>G, p.Gln145Glu (NM_001198943.1); c.319C>G, p.Gln107Glu (NM_001198944.1); c.613C>G, p.Gln205Glu (NM_001198945.2); c.1273C>G, p.Gln425Glu (NM_001386754.1, NM_001386755.1, NM_001386756.1 and 4 more transcripts); c.1270C>G, p.Gln424Glu (NM_001386760.1); c.1192C>G, p.Gln398Glu (NM_001386761.1, NM_032975.4, NM_032979.5); and 7 more; short protein forms Q103E, Q394E, Q455E, Q424E, Q164E, Q205E, Q395E, Q398E.
Identifiers: ClinVar variation 1417281 (VCV001417281.6), dbSNP rs775527586, ClinGen allele CA8935729.
Genomic context (GRCh38, chr18:34,851,840, plus strand): 5'-ACATAGGTTCACATTCTCAATATGAAATCTTATAAACTACATATTTTACAGCAGCCACCT[C>G]AGCAGAGAAGTGCTCCTGACATCTCTTTCACCATCGATGCGAATAAGCAGCAAAGGCAGC-3'
Protein context (NP_001373724.1, residues 472-492): AAESSSSQPP[Gln482Glu]QRSAPDISFT